The following is an entry in ClinVar:

ClinVar aggregate classification (germline): Conflicting classifications of pathogenicity. Review status: criteria provided, conflicting classifications (1 of 4 stars). 2 submissions from 2 submitters: Likely pathogenic (1); Uncertain significance (1). Last evaluated 2022-10-24.

Conditions:
Donnai-Barrow syndrome. Also called: DBS/FOAR SYNDROME; FACIOOCULOACOUSTICORENAL SYNDROME. Identifiers: Orphanet 2143, MedGen C1857277, MONDO:0009104, OMIM 222448.

Submissions (2):

Labcorp Genetics (formerly Invitae), Labcorp
Classification: Likely pathogenic. Last evaluated: 2022-10-24. Review status: criteria provided, single submitter. Criteria: Invitae Variant Classification Sherloc (09022015). Collection method: clinical testing. Allele origin: germline.
Comment: In summary, the currently available evidence indicates that the variant is pathogenic, but additional data are needed to prove that conclusively. Therefore, this variant has been classified as Likely Pathogenic. This sequence change affects an acceptor splice site in intron 23 of the LRP2 gene. It is expected to disrupt RNA splicing. Variants that disrupt the donor or acceptor splice site typically lead to a loss of protein function (PMID: 16199547), and loss-of-function variants in LRP2 are known to be pathogenic (PMID: 17632512, 25682901). This variant is not present in population databases (gnomAD no frequency). This variant has not been reported in the literature in individuals affected with LRP2-related conditions. Algorithms developed to predict the effect of sequence changes on RNA splicing suggest that this variant may disrupt the consensus splice site.

Juno Genomics, Hangzhou Juno Genomics, Inc
Classification: Uncertain significance for Donnai-Barrow syndrome. Review status: criteria provided, single submitter. Criteria: ACMG Guidelines, 2015. Collection method: clinical testing. Allele origin: germline. Affected: yes.
Comment: Absent from controls (or at extremely low frequency if recessive) in Genome Aggregation Database, Exome Sequencing Project, 1000 Genomes Project, or Exome Aggregation Consortium.;Null variant in a gene where loss of function (LOF) is a known mechanism of disease.

Literature cited by the submitters: PubMed 16199547 (cited by Labcorp Genetics (formerly Invitae), Labcorp); PubMed 17632512 (cited by Labcorp Genetics (formerly Invitae), Labcorp); PubMed 25682901 (cited by Labcorp Genetics (formerly Invitae), Labcorp).

NM_004525.3(LRP2):c.3551-1G>A

Gene: LRP2 (LDL receptor related protein 2; minus strand). Cytogenetic location: 2q31.1.
Variant type: single nucleotide variant.
Coding change: c.3551-1G>A on transcript NM_004525.3 (MANE Select); the canonical splice acceptor site of the intron before coding-DNA position 3551, G replaced by A.
Molecular consequence: splice acceptor variant.
Genome position (GRCh38, 1-based): chr2:169,243,073, C>T on the plus strand (G>A on the coding strand, the complement: LRP2 is on the minus strand). VCF-style: chr2-169243073-C-T. GRCh37 (hg19) VCF-style: chr2-170099583-C-T.
Identifiers: ClinVar variation 2127340 (VCV002127340.6), dbSNP rs2528382225, ClinGen allele CA349150102.
Genomic context (GRCh38, chr2:169,243,073, plus strand): 5'-TGACGCCAATACATTTATCCCCACTGGCACACTTGAATTGAGAAGCAGTACAGTTTAATA[C>T]TAAGAATGAAAGAGAAAAGCATTAGAAATTAGCTCAGGGCTAAAATGACTAAACACTGAG-3'